The following is an entry in ClinVar:

ClinVar aggregate classification (germline): Uncertain significance (1 of 4 stars; one submission).

Conditions:
Hereditary cancer-predisposing syndrome. Also called: Neoplastic Syndromes, Hereditary; Tumor predisposition; Hereditary neoplastic syndrome; Hereditary Cancer Syndrome. Identifiers: Orphanet 140162, MedGen C0027672, MeSH D009386, MONDO:0015356.

Submission:

Ambry Genetics
Classification: Uncertain significance for Hereditary cancer-predisposing syndrome. Last evaluated: 2026-06-26. Review status: criteria provided, single submitter. Criteria: Ambry Variant Classification Scheme 2023. Collection method: clinical testing. Allele origin: germline.
Comment: The p.P1294T variant (also known as c.3880C>A), located in coding exon 23 of the PTCH1 gene, results from a C to A substitution at nucleotide position 3880. The proline at codon 1294 is replaced by threonine, an amino acid with highly similar properties. This amino acid position is conserved. In addition, this alteration is predicted to be tolerated by in silico analysis. Based on the available evidence, the clinical significance of this variant remains unclear.

NM_000264.5(PTCH1):c.3880C>A (p.Pro1294Thr)

Gene: PTCH1 (patched 1; minus strand). Cytogenetic location: 9q22.32.
Variant type: single nucleotide variant.
Coding change: c.3880C>A on transcript NM_000264.5 (MANE Select); coding-DNA position 3880, C replaced by A.
Protein change: p.Pro1294Thr; replaces proline 1294 with threonine.
Molecular consequence: missense variant. On other transcripts: non-coding transcript variant (1).
Genome position (GRCh38, 1-based): chr9:95,447,376, G>T on the plus strand (C>A on the coding strand, the complement: PTCH1 is on the minus strand). VCF-style: chr9-95447376-G-T. GRCh37 (hg19) VCF-style: chr9-98209658-G-T.
Other names: c.3682C>A, p.Pro1228Thr (NM_001083602.3); c.3877C>A, p.Pro1293Thr (NM_001083603.3); c.3427C>A, p.Pro1143Thr (NM_001083604.3, NM_001083605.3, NM_001083606.3 and 1 more transcripts); c.3724C>A, p.Pro1242Thr (NM_001354918.2); short protein forms P1143T, P1228T, P1242T, P1293T, P1294T.
Identifiers: ClinVar variation 5027451 (VCV005027451.1).